The following is an entry in ClinVar:

NM_001370466.1(NOD2):c.2538C>T (p.Phe846=)

Gene: NOD2 (nucleotide binding oligomerization domain containing 2; plus strand). Cytogenetic location: 16q12.1.
Variant type: single nucleotide variant.
Coding change: c.2538C>T on transcript NM_001370466.1 (MANE Select); coding-DNA position 2538, C replaced by T.
Protein change: p.Phe846=; no amino-acid change (phenylalanine 846 retained).
Molecular consequence: synonymous variant. On other transcripts: non-coding transcript variant (1).
Genome position (GRCh38, 1-based): chr16:50,716,963, C>T. VCF-style: chr16-50716963-C-T. GRCh37 (hg19) VCF-style: chr16-50750874-C-T.
Other names: c.2619C>T (LRG_177t1); c.2538C>T, p.Phe846= (NM_001293557.2); c.2619C>T, p.Phe873= (NM_022162.3).
Identifiers: ClinVar variation 97859 (VCV000097859.1), dbSNP rs104895448, ClinGen allele CA150289.

ClinVar aggregate classification (germline): not provided (0 of 4 stars; one submission).

Conditions:
Blau syndrome (BLAUS). Also called: ARTHROCUTANEOUVEAL GRANULOMATOSIS; GRANULOMATOSIS, FAMILIAL JUVENILE SYSTEMIC; GRANULOMATOSIS, FAMILIAL, BLAU TYPE; GRANULOMATOUS INFLAMMATORY ARTHRITIS, DERMATITIS, AND UVEITIS, FAMILIAL; JABS SYNDROME. Identifiers: Orphanet 90340, MedGen C5201146, MONDO:0008523, OMIM 186580.

Submission:

Unité médicale des maladies autoinflammatoires, CHRU Montpellier
No classification provided. Condition: Sarcoidosis, early-onset. Review status: no classification provided. Collection method: not provided. Allele origin: unknown.
Comment: also involved in OMIM 186580 and 266600